The following is an entry in ClinVar:

ClinVar aggregate classification (germline): Uncertain significance (1 of 4 stars; one submission).

Conditions:
X-linked agammaglobulinemia with growth hormone deficiency (IGHD3). Also called: FLEISHER SYNDROME; HYPOGAMMAGLOBULINEMIA AND ISOLATED GROWTH HORMONE DEFICIENCY, X-LINKED; IGHD III; ISOLATED GROWTH HORMONE DEFICIENCY, TYPE III, WITH AGAMMAGLOBULINEMIA; AGAMMAGLOBULINEMIA AND ISOLATED GROWTH HORMONE DEFICIENCY, X-LINKED; Isolated growth hormone deficiency type 3. Identifiers: Orphanet 231692, Orphanet 631, MedGen C0472813, MONDO:0010615, OMIM 307200.

Submission:

Centre for Mendelian Genomics, University Medical Centre Ljubljana
Classification: Uncertain significance for X-linked agammaglobulinemia with growth hormone deficiency. Last evaluated: 2016-01-01. Review status: criteria provided, single submitter. Criteria: ACMG Guidelines, 2015. Collection method: clinical testing. Allele origin: unknown. Affected: yes.
Comment: This variant was classified as: Uncertain significance. The following ACMG criteria were applied in classifying this variant: PM2,PP3. This variant was detected in hemizygous state.

NM_000061.3(BTK):c.895-12T>C

Gene: BTK (Bruton tyrosine kinase; minus strand). Cytogenetic location: Xq22.1.
Variant type: single nucleotide variant.
Coding change: c.895-12T>C on transcript NM_000061.3 (MANE Select); 12 bases into the intron before coding-DNA position 895, T replaced by C.
Molecular consequence: intron variant.
Genome position (GRCh38, 1-based): chrX:101,358,708, A>G on the plus strand (T>C on the coding strand, the complement: BTK is on the minus strand). VCF-style: chrX-101358708-A-G. GRCh37 (hg19) VCF-style: chrX-100613696-A-G.
Other names: c.997-12T>C (NM_001287344.2); c.895-12T>C (NM_001287345.2).
Identifiers: ClinVar variation 931378 (VCV000931378.3), dbSNP rs1926564625, ClinGen allele CA1139667732.
Genomic context (GRCh38, chrX:101,358,708, plus strand): 5'-ATTTGCCAGCTTTGCTGGAGTCTCTGACAATGAAACCTCCTTCTTTCCCCTGAAACAACG[A>G]AAAAGAAGCTGTCTGTAGGAGGAAGTGGTGCTCACACCTGCATCCCACCTGCCCAAACTT-3'